The following is an entry in ClinVar:

NM_000090.4(COL3A1):c.485C>G (p.Ser162Cys)

Gene: COL3A1 (collagen type III alpha 1 chain; plus strand). Cytogenetic location: 2q32.2.
Variant type: single nucleotide variant.
Coding change: c.485C>G on transcript NM_000090.4 (MANE Select); coding-DNA position 485, C replaced by G.
Protein change: p.Ser162Cys; replaces serine 162 with cysteine.
Molecular consequence: missense variant.
Genome position (GRCh38, 1-based): chr2:188,987,096, C>G. VCF-style: chr2-188987096-C-G. GRCh37 (hg19) VCF-style: chr2-189851822-C-G.
Other names: short protein forms S162C.
Identifiers: ClinVar variation 3073612 (VCV003073612.1), dbSNP rs2469111453, ClinGen allele CA349848115.

ClinVar aggregate classification (germline): Uncertain significance (1 of 4 stars; one submission).

Conditions:
Ehlers-Danlos syndrome, type 4 (EDSVASC). Also called: Ehlers-Danlos Syndrome Type IV; Ehlers-Danlos syndrome vascular type; Ehlers Danlos syndrome, ecchymotic type; Ehlers Danlos syndrome, arterial type; Ehlers Danlos syndrome, Sack-Barabas type. Identifiers: Orphanet 286, MedGen C0268338, MONDO:0017314, OMIM 130050.

Submission:

All of Us Research Program, National Institutes of Health
Classification: Uncertain significance for Ehlers-Danlos syndrome, type 4. Last evaluated: 2023-10-02. Review status: criteria provided, single submitter. Criteria: ACMG Guidelines, 2015. Collection method: clinical testing. Allele origin: germline. Inheritance: Autosomal dominant inheritance. Observed: 1 variant allele, 1 heterozygote.
Comment: This missense variant replaces serine with cysteine at codon 162 of the COL3A1 protein. Computational prediction suggests that this variant may not impact protein structure and function (internally defined REVEL score threshold <= 0.5, PMID: 27666373). To our knowledge, functional studies have not been reported for this variant. This variant has not been reported in individuals affected with COL3A1-related disorders in the literature. This variant has not been identified in the general population by the Genome Aggregation Database (gnomAD). The available evidence is insufficient to determine the role of this variant in disease conclusively. Therefore, this variant is classified as a Variant of Uncertain Significance.

This study involves interpretation of variants in research participants for the purpose of population health screening. Participant phenotype was not available at the time of variant classification. Additional details can be found in publication PMID: 35346344, PMCID: PMC8962531